The following is an entry in ClinVar:

ClinVar aggregate classification (germline): Uncertain significance (1 of 4 stars; one submission).

Conditions:
Cardiovascular phenotype. Identifiers: MedGen CN230736.

gnomAD v4.1: 1 of 1,613,884 alleles (0.000062%); highest among the groups gnomAD compares: Non-Finnish European, 0.000085%; no homozygotes.

Submission:

Ambry Genetics
Classification: Uncertain significance for Cardiovascular phenotype. Last evaluated: 2024-09-15. Review status: criteria provided, single submitter. Criteria: Ambry Variant Classification Scheme 2023. Collection method: clinical testing. Allele origin: germline.
Comment: The p.D3653Y variant (also known as c.10957G>T), located in coding exon 26 of the APOB gene, results from a G to T substitution at nucleotide position 10957. The aspartic acid at codon 3653 is replaced by tyrosine, an amino acid with highly dissimilar properties. This amino acid position is conserved. In addition, this alteration is predicted to be tolerated by in silico analysis. Based on the available evidence, the clinical significance of this variant remains unclear.

NM_000384.3(APOB):c.10957G>T (p.Asp3653Tyr)

Gene: APOB (apolipoprotein B; minus strand). Cytogenetic location: 2p24.1.
Variant type: single nucleotide variant.
Coding change: c.10957G>T on transcript NM_000384.3 (MANE Select); coding-DNA position 10957, G replaced by T.
Protein change: p.Asp3653Tyr; replaces aspartic acid 3653 with tyrosine.
Molecular consequence: missense variant.
Genome position (GRCh38, 1-based): chr2:21,005,911, C>A on the plus strand (G>T on the coding strand, the complement: APOB is on the minus strand). VCF-style: chr2-21005911-C-A. GRCh37 (hg19) VCF-style: chr2-21228783-C-A.
Other names: short protein forms D3653Y.
Identifiers: ClinVar variation 3416011 (VCV003416011.1).
Genomic context (GRCh38, chr2:21,005,911, plus strand): 5'-TGAGGAACCTTAGGTGTCCTTCTAAGGATCCTGCAATGTCAAGGTGTGCCTTTTCTTGGT[C>A]ATTGGAAAGCTCGACCTGGCTCTGGAAAGACCCAGAATGAATCCGGACTTCATTTTTCCA-3'
Protein context (NP_000375.3, residues 3643-3663): SFQSQVELSN[Asp3653Tyr]QEKAHLDIAG